The following is an entry in ClinVar:

NM_001009944.3(PKD1):c.2983T>C (p.Ser995Pro)

Gene: PKD1 (polycystin 1, transient receptor potential channel interacting; minus strand). Cytogenetic location: 16p13.3.
Variant type: single nucleotide variant.
Coding change: c.2983T>C on transcript NM_001009944.3 (MANE Select); coding-DNA position 2983, T replaced by C.
Protein change: p.Ser995Pro; replaces serine 995 with proline.
Molecular consequence: missense variant.
Genome position (GRCh38, 1-based): chr16:2,113,163, A>G on the plus strand (T>C on the coding strand, the complement: PKD1 is on the minus strand). VCF-style: chr16-2113163-A-G. GRCh37 (hg19) VCF-style: chr16-2163164-A-G.
Other names: c.2983T>C, p.Ser995Pro (NM_000296.4); short protein forms S995P.
Identifiers: ClinVar variation 4293628 (VCV004293628.1).

ClinVar aggregate classification (germline): Uncertain significance (1 of 4 stars; one submission).

Conditions:
Polycystic kidney disease, adult type (PKD1). Also called: POLYCYSTIC KIDNEY DISEASE 1 WITH OR WITHOUT POLYCYSTIC LIVER DISEASE; POLYCYSTIC KIDNEY DISEASE, ADULT, TYPE I; Polycystic Kidney, Autosomal Dominant; Polycystic Kidney Disease 1, Autosomal Dominant; Polycystic kidney disease 1; Polycystic kidney disease 1, severe. Identifiers: MedGen C3149841, MONDO:0008263, OMIM 173900.

Submission:

3billion
Classification: Uncertain significance for Polycystic kidney disease, adult type. Last evaluated: 2024-11-01. Review status: criteria provided, single submitter. Criteria: ACMG Guidelines, 2015. Collection method: clinical testing. Allele origin: germline. Affected: yes.
Comment: The variant is not observed in the gnomAD v4.1.0 dataset. Predicted Consequence/Location: Missense variant In silico tool predictions suggest no damaging effect of the variant on gene or gene product [REVEL: 0.32 (<0.4); 3Cnet: 0.00 (<0.15, specificity 0.78 and negative predictive value 0.92)]. Therefore, this variant is classified as VUS according to the recommendation of ACMG/AMP guideline.